The following is an entry in ClinVar:

NM_015602.4(TOR1AIP1):c.467C>T (p.Ser156Phe)

Genes: TOR1AIP1 (torsin 1A interacting protein 1; plus strand), LOC112577517 (Sharpr-MPRA regulatory region 13766; plus strand). Cytogenetic location: 1q25.2.
Variant type: single nucleotide variant.
Coding change: c.467C>T on transcript NM_015602.4 (MANE Select); coding-DNA position 467, C replaced by T.
Protein change: p.Ser156Phe; replaces serine 156 with phenylalanine.
Molecular consequence: missense variant.
Genome position (GRCh38, 1-based): chr1:179,882,969, C>T. VCF-style: chr1-179882969-C-T. GRCh37 (hg19) VCF-style: chr1-179852104-C-T.
Other names: c.467C>T, p.Ser156Phe (NM_001267578.2); c.467C>T (NM_015602.2); short protein forms S156F.
Identifiers: ClinVar variation 644094 (VCV000644094.8), dbSNP rs759689850, ClinGen allele CA1268764.

ClinVar aggregate classification (germline): Uncertain significance. Review status: criteria provided, multiple submitters, no conflicts (2 of 4 stars). 4 submissions from 4 submitters: Uncertain significance (4). Last evaluated 2025-04-25.

Conditions:
Autosomal recessive limb-girdle muscular dystrophy type 2Y (MRRSDC). Also called: Muscular dystrophy, limb-girdle, type 2y; Muscular dystrophy, autosomal recessive, with rigid spine and distal joint contractures. Identifiers: Orphanet 424261, MedGen C4511482, MONDO:0014900, OMIM 617072.
Inborn genetic diseases. Identifiers: MedGen C0950123, MeSH D030342.

Allele frequency attached by ClinVar (database versions not stated): ExAC 0.00001; gnomAD exomes 0.00001; TOPMed 0.00002; gnomAD 0.00003 and 0.00004.
gnomAD v4.1: 55 of 1,610,992 alleles (0.0034%); highest among the groups gnomAD compares: African/African-American, 0.0053%; no homozygotes.

Submissions (4):

GeneDx
Classification: Uncertain significance. Last evaluated: 2025-04-25. Review status: criteria provided, single submitter. Criteria: GeneDx Variant Classification Process June 2021. Collection method: clinical testing. Allele origin: germline. Affected: yes.
Comment: Not observed at significant frequency in large population cohorts (gnomAD); In silico analysis supports that this missense variant has a deleterious effect on protein structure/function; Has not been previously published as pathogenic or benign to our knowledge

Genome-Nilou Lab
Classification: Uncertain significance for Autosomal recessive limb-girdle muscular dystrophy type 2Y. Last evaluated: 2023-04-11. Review status: criteria provided, single submitter. Criteria: ACMG Guidelines, 2015. Collection method: clinical testing. Allele origin: germline. Affected: no.

Labcorp Genetics (formerly Invitae), Labcorp
Classification: Uncertain significance for Autosomal recessive limb-girdle muscular dystrophy type 2Y. Last evaluated: 2022-08-10. Review status: criteria provided, single submitter. Criteria: Invitae Variant Classification Sherloc (09022015). Collection method: clinical testing. Allele origin: germline.
Comment: This sequence change replaces serine, which is neutral and polar, with phenylalanine, which is neutral and non-polar, at codon 156 of the TOR1AIP1 protein (p.Ser156Phe). This variant is present in population databases (rs759689850, gnomAD 0.004%). This variant has not been reported in the literature in individuals affected with TOR1AIP1-related conditions. ClinVar contains an entry for this variant (Variation ID: 644094). Algorithms developed to predict the effect of missense changes on protein structure and function output the following: SIFT: "Deleterious"; PolyPhen-2: "Benign"; Align-GVGD: "Class C0". The phenylalanine amino acid residue is found in multiple mammalian species, which suggests that this missense change does not adversely affect protein function. In summary, the available evidence is currently insufficient to determine the role of this variant in disease. Therefore, it has been classified as a Variant of Uncertain Significance.

Ambry Genetics
Classification: Uncertain significance for Inborn genetic diseases. Last evaluated: 2021-08-16. Review status: criteria provided, single submitter. Criteria: Ambry Variant Classification Scheme 2023. Collection method: clinical testing. Allele origin: germline.